The following is an entry in ClinVar:

ClinVar aggregate classification (germline): Uncertain significance (1 of 4 stars; one submission).

Conditions:
RPGRIP1L-related disorder. Also called: RPGRIP1L-related condition; RPGRIP1L-related disorders. Identifiers: MedGen CN239416.

Submission:

PreventionGenetics, part of Exact Sciences
Classification: Uncertain significance for RPGRIP1L-related condition. Last evaluated: 2025-08-29. Review status: criteria provided, single submitter. Criteria: ACMG Guidelines, 2015. Collection method: clinical testing. Allele origin: germline.
Comment: The RPGRIP1L c.1366G>A variant is predicted to result in the amino acid substitution p.Ala456Thr. To our knowledge, this variant has not been reported in the literature or in a large population database (gnomAD), indicating this variant is rare. At this time, the clinical significance of this variant is uncertain due to the absence of conclusive functional and genetic evidence.

NM_015272.5(RPGRIP1L):c.1366G>A (p.Ala456Thr)

Gene: RPGRIP1L (RPGRIP1 like; minus strand). Cytogenetic location: 16q12.2.
Variant type: single nucleotide variant.
Coding change: c.1366G>A on transcript NM_015272.5 (MANE Select); coding-DNA position 1366, G replaced by A.
Protein change: p.Ala456Thr; replaces alanine 456 with threonine.
Molecular consequence: missense variant.
Genome position (GRCh38, 1-based): chr16:53,658,449, C>T on the plus strand (G>A on the coding strand, the complement: RPGRIP1L is on the minus strand). VCF-style: chr16-53658449-C-T. GRCh37 (hg19) VCF-style: chr16-53692361-C-T.
Other names: c.1366G>A, p.Ala456Thr (NM_001127897.4, NM_001308334.3, NM_001330538.2); short protein forms A456T.
Identifiers: ClinVar variation 4994754 (VCV004994754.1).